The following is an entry in ClinVar:

ClinVar aggregate classification (germline): Conflicting classifications of pathogenicity. Review status: criteria provided, conflicting classifications (1 of 4 stars). 2 submissions from 2 submitters: Uncertain significance (1); Likely benign (1). Last evaluated 2022-05-12.

Allele frequency attached by ClinVar (database versions not stated): gnomAD exomes below 0.00001; TOPMed 0.00001; gnomAD 0.00003.
gnomAD v4.1: 7 of 1,544,610 alleles (0.00045%); highest among the groups gnomAD compares: African/African-American, 0.0041%; no homozygotes.

Submissions (2):

Labcorp Genetics (formerly Invitae), Labcorp
Classification: Uncertain significance. Last evaluated: 2022-05-12. Review status: criteria provided, single submitter. Criteria: Invitae Variant Classification Sherloc (09022015). Collection method: clinical testing. Allele origin: germline.
Comment: This sequence change replaces alanine, which is neutral and non-polar, with threonine, which is neutral and polar, at codon 272 of the TYMP protein (p.Ala272Thr). This variant is present in population databases (no rsID available, gnomAD 0.01%). This variant has not been reported in the literature in individuals affected with TYMP-related conditions. ClinVar contains an entry for this variant (Variation ID: 215322). Advanced modeling of protein sequence and biophysical properties (such as structural, functional, and spatial information, amino acid conservation, physicochemical variation, residue mobility, and thermodynamic stability) performed at Invitae indicates that this missense variant is not expected to disrupt TYMP protein function. In summary, the available evidence is currently insufficient to determine the role of this variant in disease. Therefore, it has been classified as a Variant of Uncertain Significance.

GeneDx
Classification: Likely benign. Last evaluated: 2013-09-17. Review status: criteria provided, single submitter. Criteria: GeneDx Variant Classification (06012015). Collection method: clinical testing. Allele origin: germline. Affected: yes.
Comment: This variant is considered likely benign or benign based on one or more of the following criteria: it is a conservative change, it occurs at a poorly conserved position in the protein, it is predicted to be benign by multiple in silico algorithms, and/or has population frequency not consistent with disease.

NM_001953.5(TYMP):c.814G>A (p.Ala272Thr)

Gene: TYMP (thymidine phosphorylase; minus strand). Cytogenetic location: 22q13.33.
Variant type: single nucleotide variant.
Coding change: c.814G>A on transcript NM_001953.5 (MANE Select); coding-DNA position 814, G replaced by A.
Protein change: p.Ala272Thr; replaces alanine 272 with threonine.
Molecular consequence: missense variant.
Genome position (GRCh38, 1-based): chr22:50,526,690, C>T on the plus strand (G>A on the coding strand, the complement: TYMP is on the minus strand). VCF-style: chr22-50526690-C-T. GRCh37 (hg19) VCF-style: chr22-50965119-C-T.
Other names: c.814G>A, p.Ala272Thr (LRG_727t1, LRG_727t2, NM_001113755.3 and 3 more transcripts); short protein forms A272T.
Identifiers: ClinVar variation 215322 (VCV000215322.3), dbSNP rs863224247, ClinGen allele CA320055.